The following is an entry in ClinVar:

ClinVar aggregate classification (germline): Uncertain significance (1 of 4 stars; one submission).

gnomAD v4.1: 1 of 1,608,428 alleles (0.000062%); highest among the groups gnomAD compares: Non-Finnish European, 0.000085%; no homozygotes.

Submission:

GeneDx
Classification: Uncertain significance. Last evaluated: 2024-08-12. Review status: criteria provided, single submitter. Criteria: GeneDx Variant Classification Process June 2021. Collection method: clinical testing. Allele origin: germline. Affected: yes.
Comment: Not observed at significant frequency in large population cohorts (gnomAD); In silico analysis supports that this missense variant has a deleterious effect on protein structure/function; Has not been previously published as pathogenic or benign to our knowledge; This variant is associated with the following publications: (PMID: 27839871)

NM_001134407.3(GRIN2A):c.2017C>T (p.Pro673Ser)

Gene: GRIN2A (glutamate ionotropic receptor NMDA type subunit 2A; minus strand). Cytogenetic location: 16p13.2.
Variant type: single nucleotide variant.
Coding change: c.2017C>T on transcript NM_001134407.3 (MANE Select); coding-DNA position 2017, C replaced by T.
Protein change: p.Pro673Ser; replaces proline 673 with serine.
Molecular consequence: missense variant.
Genome position (GRCh38, 1-based): chr16:9,822,415, G>A on the plus strand (C>T on the coding strand, the complement: GRIN2A is on the minus strand). VCF-style: chr16-9822415-G-A. GRCh37 (hg19) VCF-style: chr16-9916272-G-A.
Other names: c.2017C>T, p.Pro673Ser (NM_000833.5, NM_001134408.2); short protein forms P673S.
Identifiers: ClinVar variation 3731069 (VCV003731069.1).